The following is an entry in ClinVar:

NC_000006.11:g.(?_118869382)_(118880263_?)dup

Genes: CEP85L (centrosomal protein 85L; minus strand), PLN (phospholamban; plus strand). Cytogenetic location: 6q22.31.
Variant type: Duplication.
Identifiers: ClinVar variation 464267 (VCV000464267.1).

ClinVar aggregate classification (germline): Uncertain significance (1 of 4 stars; one submission).

Conditions:
Dilated cardiomyopathy 1P (CMD1P). Identifiers: Orphanet 154, MedGen C1835928, MONDO:0012362, OMIM 609909.

Submission:

Labcorp Genetics (formerly Invitae), Labcorp
Classification: Uncertain significance for Dilated cardiomyopathy 1P. Last evaluated: 2018-06-28. Review status: criteria provided, single submitter. Criteria: Invitae Variant Classification Sherloc (09022015). Collection method: clinical testing. Allele origin: germline.
Comment: This variant results in a copy number gain of the genomic region encompassing the full coding sequence of the PLN gene. The boundaries of this event are unknown as they extend beyond the assayed region for this gene and therefore may encompass additional genes. As the precise location of this event is unknown, it may be in tandem or it may be located elsewhere in the genome. A similar duplication encompassing the whole PLN gene has been reported in an individual affected with dilated cardiomyopathy (PMID: 24451198). Experimental studies and prediction algorithms are not available for this variant, and the functional significance of this duplication is currently unknown. In summary, the exact genomic location of this variant is unknown and the impact of this duplication on PLN protein function has not been established. Therefore, it has been classified as a Variant of Uncertain Significance.

Literature cited by the submitters: PubMed 24451198.